The following is an entry in ClinVar:

NM_001605.3(AARS1):c.343T>C (p.Cys115Arg)

Gene: AARS1 (alanyl-tRNA synthetase 1; minus strand). Cytogenetic location: 16q22.1.
Variant type: single nucleotide variant.
Coding change: c.343T>C on transcript NM_001605.3 (MANE Select); coding-DNA position 343, T replaced by C.
Protein change: p.Cys115Arg; replaces cysteine 115 with arginine.
Molecular consequence: missense variant.
Genome position (GRCh38, 1-based): chr16:70,276,622, A>G on the plus strand (T>C on the coding strand, the complement: AARS1 is on the minus strand). VCF-style: chr16-70276622-A-G. GRCh37 (hg19) VCF-style: chr16-70310525-A-G.
Other names: short protein forms C115R.
Identifiers: ClinVar variation 1682313 (VCV001682313.6), dbSNP rs773582597, ClinGen allele CA8141151.

ClinVar aggregate classification (germline): Uncertain significance (1 of 4 stars; one submission).

Conditions:
Charcot-Marie-Tooth disease type 2. Also called: Charcot-Marie-Tooth type 2. Identifiers: Orphanet 64746, MedGen C0270914, MONDO:0018993.

Allele frequency attached by ClinVar (database versions not stated): gnomAD exomes 0.00001; TOPMed 0.00002; gnomAD 0.00004 and 0.00003; ExAC 0.00001.
gnomAD v4.1: 29 of 1,613,920 alleles (0.0018%); highest among the groups gnomAD compares: Non-Finnish European, 0.0025%; no homozygotes.

Submission:

Labcorp Genetics (formerly Invitae), Labcorp
Classification: Uncertain significance for Charcot-Marie-Tooth disease type 2. Last evaluated: 2024-02-23. Review status: criteria provided, single submitter. Criteria: Invitae Variant Classification Sherloc (09022015). Collection method: clinical testing. Allele origin: germline.
Comment: This sequence change replaces cysteine, which is neutral and slightly polar, with arginine, which is basic and polar, at codon 115 of the AARS protein (p.Cys115Arg). This variant is present in population databases (rs773582597, gnomAD 0.003%). This missense change has been observed in individual(s) with Charcot-Marie-Tooth disease (Invitae). ClinVar contains an entry for this variant (Variation ID: 1682313). Advanced modeling of protein sequence and biophysical properties (such as structural, functional, and spatial information, amino acid conservation, physicochemical variation, residue mobility, and thermodynamic stability) performed at Invitae indicates that this missense variant is expected to disrupt AARS protein function with a positive predictive value of 80%. In summary, the available evidence is currently insufficient to determine the role of this variant in disease. Therefore, it has been classified as a Variant of Uncertain Significance.